The following is an entry in ClinVar:

ClinVar aggregate classification (germline): Uncertain significance (1 of 4 stars; one submission).

Conditions:
LAMA2-related muscular dystrophy (LAMA2-RD). Also called: Laminin alpha 2-related dystrophy. Identifiers: MedGen C5679788, MONDO:0100228.

Submission:

Labcorp Genetics (formerly Invitae), Labcorp
Classification: Uncertain significance for LAMA2-related muscular dystrophy. Last evaluated: 2022-05-27. Review status: criteria provided, single submitter. Criteria: Invitae Variant Classification Sherloc (09022015). Collection method: clinical testing. Allele origin: germline.
Comment: This sequence change replaces glutamic acid, which is acidic and polar, with alanine, which is neutral and non-polar, at codon 1613 of the LAMA2 protein (p.Glu1613Ala). This variant is not present in population databases (gnomAD no frequency). This variant has not been reported in the literature in individuals affected with LAMA2-related conditions. Advanced modeling of protein sequence and biophysical properties (such as structural, functional, and spatial information, amino acid conservation, physicochemical variation, residue mobility, and thermodynamic stability) performed at Invitae indicates that this missense variant is not expected to disrupt LAMA2 protein function. In summary, the available evidence is currently insufficient to determine the role of this variant in disease. Therefore, it has been classified as a Variant of Uncertain Significance.

NM_000426.4(LAMA2):c.4838A>C (p.Glu1613Ala)

Gene: LAMA2 (laminin subunit alpha 2; plus strand). Cytogenetic location: 6q22.33.
Variant type: single nucleotide variant.
Coding change: c.4838A>C on transcript NM_000426.4 (MANE Select); coding-DNA position 4838, A replaced by C.
Protein change: p.Glu1613Ala; replaces glutamic acid 1613 with alanine.
Molecular consequence: missense variant.
Genome position (GRCh38, 1-based): chr6:129,366,339, A>C. VCF-style: chr6-129366339-A-C. GRCh37 (hg19) VCF-style: chr6-129687484-A-C.
Other names: c.4838A>C, p.Glu1613Ala (NM_001079823.2); short protein forms E1613A.
Identifiers: ClinVar variation 1403477 (VCV001403477.5), dbSNP rs2114620158, ClinGen allele CA365622958.